The following is an entry in ClinVar:

ClinVar aggregate classification (germline): Likely benign (1 of 4 stars; one submission).

gnomAD v4.1: 8 of 1,609,880 alleles (0.0005%); highest among the groups gnomAD compares: African/African-American, 0.0013%; no homozygotes.

Submission:

Athena Diagnostics
Classification: Likely benign. Last evaluated: 2025-08-20. Review status: criteria provided, single submitter. Criteria: Athena Diagnostics Criteria. Collection method: clinical testing. Allele origin: unknown.
Comment: Computational tools yielded predictions that this variant is unlikely to have an effect on normal RNA splicing. This nucleotide position exhibits low evolutionary conservation.

NM_000435.3(NOTCH3):c.4947G>A (p.Ala1649=)

Gene: NOTCH3 (notch receptor 3; minus strand). Cytogenetic location: 19p13.12.
Variant type: single nucleotide variant.
Coding change: c.4947G>A on transcript NM_000435.3 (MANE Select); coding-DNA position 4947, G replaced by A.
Protein change: p.Ala1649=; no amino-acid change (alanine 1649 retained).
Molecular consequence: synonymous variant.
Genome position (GRCh38, 1-based): chr19:15,170,498, C>T on the plus strand (G>A on the coding strand, the complement: NOTCH3 is on the minus strand). VCF-style: chr19-15170498-C-T. GRCh37 (hg19) VCF-style: chr19-15281309-C-T.
Identifiers: ClinVar variation 4682413 (VCV004682413.1).
Genomic context (GRCh38, chr19:15,170,498, plus strand): 5'-GCGCTTGCGCCGGGCCACCATGACACCCAGGACGAGAATGACCAGCAGCAAGACAGCGCC[C>T]GCCACTAGCAGTGGCAGCAGCGGGACGCTGGGTTCTGGAGGCTCCAGCGGCTCCCCTAAG-3'
Protein context (NP_000426.2, residues 1639-1659): PSVPLLPLLV[Ala1649=]GAVLLLVILV